The following is an entry in ClinVar:

ClinVar aggregate classification (germline): Uncertain significance. Review status: criteria provided, multiple submitters, no conflicts (2 of 4 stars). 2 submissions from 2 submitters: Uncertain significance (2). Last evaluated 2024-09-04.

Allele frequency attached by ClinVar (database versions not stated): ExAC 0.00001; gnomAD 0.00001; gnomAD exomes 0.00001; TOPMed 0.00003.
gnomAD v4.1: 17 of 1,613,954 alleles (0.0011%); highest among the groups gnomAD compares: East Asian, 0.0067%; no homozygotes.

Submissions (2):

Blueprint Genetics
Classification: Uncertain significance. Last evaluated: 2024-09-04. Review status: criteria provided, single submitter. Criteria: ACMG Guidelines, 2015. Collection method: clinical testing. Allele origin: germline.

Labcorp Genetics (formerly Invitae), Labcorp
Classification: Uncertain significance. Last evaluated: 2021-09-29. Review status: criteria provided, single submitter. Criteria: Invitae Variant Classification Sherloc (09022015). Collection method: clinical testing. Allele origin: germline.
Comment: This sequence change replaces lysine with arginine at codon 109 of the MERTK protein (p.Lys109Arg). The lysine residue is highly conserved and there is a small physicochemical difference between lysine and arginine. This variant is present in population databases (rs746128532, ExAC 0.006%). This variant has not been reported in the literature in individuals affected with MERTK-related conditions. Algorithms developed to predict the effect of missense changes on protein structure and function are either unavailable or do not agree on the potential impact of this missense change (SIFT: "Deleterious"; PolyPhen-2: "Benign"; Align-GVGD: "Class C25"). Algorithms developed to predict the effect of sequence changes on RNA splicing suggest that this variant may create or strengthen a splice site. In summary, the available evidence is currently insufficient to determine the role of this variant in disease. Therefore, it has been classified as a Variant of Uncertain Significance.

NM_006343.3(MERTK):c.326A>G (p.Lys109Arg)

Gene: MERTK (MER proto-oncogene, tyrosine kinase; plus strand). Cytogenetic location: 2q13.
Variant type: single nucleotide variant.
Coding change: c.326A>G on transcript NM_006343.3 (MANE Select); coding-DNA position 326, A replaced by G.
Protein change: p.Lys109Arg; replaces lysine 109 with arginine.
Molecular consequence: missense variant.
Genome position (GRCh38, 1-based): chr2:111,929,384, A>G. VCF-style: chr2-111929384-A-G. GRCh37 (hg19) VCF-style: chr2-112686961-A-G.
Other names: short protein forms K109R.
Identifiers: ClinVar variation 1504811 (VCV001504811.4), dbSNP rs746128532, ClinGen allele CA1831016.